The following is an entry in ClinVar:

ClinVar aggregate classification (germline): Uncertain significance (1 of 4 stars; one submission).

Submission:

GeneDx
Classification: Uncertain significance. Last evaluated: 2026-03-03. Review status: criteria provided, single submitter. Criteria: GeneDx Variant Classification Process June 2021. Collection method: clinical testing. Allele origin: germline.
Comment: Not observed at significant frequency in large population cohorts (gnomAD); In silico analysis suggests that this missense variant does not alter protein structure/function; Has not been previously published as pathogenic or benign to our knowledge

NM_002641.4(PIGA):c.606A>G (p.Ile202Met)

Gene: PIGA (phosphatidylinositol glycan anchor biosynthesis class A; minus strand). Cytogenetic location: Xp22.2.
Variant type: single nucleotide variant.
Coding change: c.606A>G on transcript NM_002641.4 (MANE Select); coding-DNA position 606, A replaced by G.
Protein change: p.Ile202Met; replaces isoleucine 202 with methionine.
Molecular consequence: missense variant. On other transcripts: intron variant (2).
Genome position (GRCh38, 1-based): chrX:15,331,325, T>C on the plus strand (A>G on the coding strand, the complement: PIGA is on the minus strand). VCF-style: chrX-15331325-T-C. GRCh37 (hg19) VCF-style: chrX-15349447-T-C.
Other names: c.606A>G, p.Ile202Met (NM_001440789.1); c.13+4176A>G (NM_020473.3); c.14-3012A>G (NM_001440790.1); short protein forms I202M.
Identifiers: ClinVar variation 5008509 (VCV005008509.1).